The following is an entry in ClinVar:

NM_001113378.2(FANCI):c.3116del (p.Tyr1039fs)

Gene: FANCI (FA complementation group I; plus strand). Cytogenetic location: 15q26.1.
Variant type: Deletion.
Coding change: c.3116del on transcript NM_001113378.2 (MANE Select); coding-DNA position 3116, one base deleted (A; older notation c.3116delA).
Protein change: p.Tyr1039fs; shifts the reading frame from tyrosine 1039.
Molecular consequence: frameshift variant.
Genome position (GRCh38, 1-based): chr15:89,305,172, A deleted. VCF-style (leftmost placement, unchanged base first): chr15-89305171-TA-T. GRCh37 (hg19) VCF-style: chr15-89848402-TA-T.
Other names: c.2837del, p.Tyr946fs (NM_001376910.1); c.3116del, p.Tyr1039fs (NM_001376911.1); c.2936del, p.Tyr979fs (NM_018193.3); short protein forms Y1039fs, Y946fs, Y979fs.
Identifiers: ClinVar variation 2675653 (VCV002675653.4), dbSNP rs772733800, ClinGen allele CA7723597.

ClinVar aggregate classification (germline): Pathogenic/Likely pathogenic. Review status: criteria provided, multiple submitters, no conflicts (2 of 4 stars). 2 submissions from 2 submitters: Pathogenic (1); Likely pathogenic (1). Last evaluated 2023-03-29.

Conditions:
Fanconi anemia (FA). Also called: Fanconi's anemia. Identifiers: Orphanet 84, MedGen C0015625, MeSH D005199, MONDO:0019391.
Fanconi anemia complementation group I (FANCI). Also called: FANCI-Related Fanconi Anemia. Identifiers: Orphanet 84, MedGen C1836861, MONDO:0012186, OMIM 609053.

Allele frequency attached by ClinVar (database versions not stated): gnomAD exomes below 0.00001; ExAC 0.00001; gnomAD 0.00001; TOPMed 0.00001; ESP Exome Variant Server 0.00008.

Submissions (2):

Labcorp Genetics (formerly Invitae), Labcorp
Classification: Pathogenic for Fanconi anemia. Last evaluated: 2023-03-29. Review status: criteria provided, single submitter. Criteria: Invitae Variant Classification Sherloc (09022015). Collection method: clinical testing. Allele origin: germline.
Comment: This variant is present in population databases (rs772733800, gnomAD 0.01%). For these reasons, this variant has been classified as Pathogenic. This variant has not been reported in the literature in individuals affected with FANCI-related conditions. This sequence change creates a premature translational stop signal (p.Tyr1039Leufs*22) in the FANCI gene. It is expected to result in an absent or disrupted protein product. Loss-of-function variants in FANCI are known to be pathogenic (PMID: 17452773, 17460694).

Baylor Genetics
Classification: Likely pathogenic for Fanconi anemia complementation group I. Last evaluated: 2022-05-10. Review status: criteria provided, single submitter. Criteria: ACMG Guidelines, 2015. Collection method: clinical testing. Allele origin: unknown.

Literature cited by the submitters: PubMed 17452773 (cited by Labcorp Genetics (formerly Invitae), Labcorp); PubMed 17460694 (cited by Labcorp Genetics (formerly Invitae), Labcorp).